The following is an entry in ClinVar:

NM_001134673.4(NFIA):c.1459G>A (p.Val487Ile)

Gene: NFIA (nuclear factor I A; plus strand). Cytogenetic location: 1p31.3.
Variant type: single nucleotide variant.
Coding change: c.1459G>A on transcript NM_001134673.4 (MANE Select); coding-DNA position 1459, G replaced by A.
Protein change: p.Val487Ile; replaces valine 487 with isoleucine.
Molecular consequence: missense variant. On other transcripts: intron variant (1).
Genome position (GRCh38, 1-based): chr1:61,426,503, G>A. VCF-style: chr1-61426503-G-A. GRCh37 (hg19) VCF-style: chr1-61892175-G-A.
Other names: c.1435G>A, p.Val479Ile (NM_001145511.2); c.1594G>A, p.Val532Ile (NM_001145512.2); c.1420+19776G>A (NM_005595.5); c.1459G>A (NM_001134673.3); short protein forms V479I, V487I, V532I.
Identifiers: ClinVar variation 4881713 (VCV004881713.3).
Genomic context (GRCh38, chr1:61,426,503, plus strand): 5'-CATGTGTCCCTTCCCTTCACAGCCTACTCGACACCCAGCACCTCCCCCGCAAACCGATTC[G>A]TCAGTGTTGGACCACGGGATCCAAGCTTTGTAAATATCCCTCAACAGACACAGGTGGGCC-3'
Protein context (NP_001128145.1, residues 477-497): TPSTSPANRF[Val487Ile]SVGPRDPSFV

ClinVar aggregate classification (germline): Uncertain significance. Review status: criteria provided, multiple submitters, no conflicts (2 of 4 stars). 2 submissions from 2 submitters: Uncertain significance (2). Last evaluated 2026-02-20.

Conditions:
NFIA-Related Disorder. Also called: NFIA-related condition; NFIA-related disorders. Identifiers: MedGen CN381099.
Brain malformations with or without urinary tract defects. Also called: Brain malformations and urinary tract defects. Identifiers: MedGen C4478940, MONDO:0100478, OMIM 613735.

gnomAD v4.1: 39 of 1,551,956 alleles (0.0025%); highest among the groups gnomAD compares: Admixed American, 0.041%; no homozygotes.

Submissions (2):

Dasa
Classification: Uncertain significance for brain malformations with or without urinary tract defects. Last evaluated: 2026-02-20. Review status: criteria provided, single submitter. Criteria: DASA Assertion Criteria. Collection method: clinical testing. Allele origin: germline.
Comment: NM_001134673.4(NFIA):c.1459G>A (p.Val487Ile) is a missense variant that results in the substitution of valine with isoleucine. This variant is rare in population databases. The currently available literature and clinical evidence are not sufficient to establish a definitive association between this variant and the reported condition. Therefore, this variant is classified as a variant of uncertain significance.

PreventionGenetics, part of Exact Sciences
Classification: Uncertain significance for NFIA-related condition. Last evaluated: 2025-06-01. Review status: criteria provided, single submitter. Criteria: ACMG Guidelines, 2015. Collection method: clinical testing. Allele origin: germline.
Comment: The NFIA c.1459G>A variant is predicted to result in the amino acid substitution p.Val487Ile. To our knowledge, this variant has not been reported in the literature. This variant is reported in 0.0080% of alleles in individuals of East Asian descent in gnomAD. At this time, the clinical significance of this variant is uncertain due to the absence of conclusive functional and genetic evidence.